The following is an entry in ClinVar:

ClinVar aggregate classification (germline): Likely benign (1 of 4 stars; one submission).

gnomAD v4.1: 5,773 of 1,613,026 alleles (0.36%); highest among the groups gnomAD compares: South Asian, 0.54%; 27 homozygotes.

Submission:

CeGaT Center for Human Genetics Tuebingen
Classification: Likely benign. Last evaluated: 2025-06-01. Review status: criteria provided, single submitter. Criteria: CeGaT Center For Human Genetics Tuebingen Variant Classification Criteria Version 2. Collection method: clinical testing. Allele origin: germline. Affected: yes. Observed: 1 variant allele.
Comment: MSS51: BP4, BS2

NM_001024593.2(MSS51):c.353C>T (p.Ser118Phe)

Gene: MSS51 (MSS51 mitochondrial translational activator; minus strand). Cytogenetic location: 10q22.2.
Variant type: single nucleotide variant.
Coding change: c.353C>T on transcript NM_001024593.2 (MANE Select); coding-DNA position 353, C replaced by T.
Protein change: p.Ser118Phe; replaces serine 118 with phenylalanine.
Molecular consequence: missense variant.
Genome position (GRCh38, 1-based): chr10:73,427,637, G>A on the plus strand (C>T on the coding strand, the complement: MSS51 is on the minus strand). VCF-style: chr10-73427637-G-A. GRCh37 (hg19) VCF-style: chr10-75187395-G-A.
Other names: short protein forms S118F.
Identifiers: ClinVar variation 3904877 (VCV003904877.10).